The following is an entry in ClinVar:

ClinVar aggregate classification (germline): Uncertain significance. Review status: criteria provided, multiple submitters, no conflicts (2 of 4 stars). 4 submissions from 4 submitters: Uncertain significance (4). Last evaluated 2026-02-06.

Conditions:
Hereditary cancer-predisposing syndrome. Also called: Tumor predisposition; Neoplastic Syndromes, Hereditary; Hereditary Cancer Syndrome; Hereditary neoplastic syndrome. Identifiers: Orphanet 140162, MedGen C0027672, MeSH D009386, MONDO:0015356.
Familial cancer of breast. Also called: BREAST CANCER, FAMILIAL; Hereditary breast cancer; hereditary breast carcinoma. Identifiers: Orphanet 227535, MedGen C0346153, MONDO:0016419, OMIM 114480. Disease mechanism: loss of function.
Fanconi anemia complementation group J. Also called: BRIP1-Related Fanconi Anemia. Identifiers: Orphanet 84, MedGen C1836860, MONDO:0012187, OMIM 609054.

Allele frequency attached by ClinVar (database versions not stated): gnomAD exomes below 0.00001.

Submissions (4):

Women's Health and Genetics/Laboratory Corporation of America, LabCorp
Classification: Uncertain significance. Last evaluated: 2026-02-06. Review status: criteria provided, single submitter. Criteria: LabCorp Variant Classification Summary - May 2015. Collection method: clinical testing. Allele origin: germline.

Color Diagnostics, LLC DBA Color Health
Classification: Uncertain significance for Hereditary cancer-predisposing syndrome. Last evaluated: 2024-06-14. Review status: criteria provided, single submitter. Criteria: ACMG Guidelines, 2015. Collection method: clinical testing. Allele origin: germline.
Comment: This missense variant replaces cysteine with serine at codon 125 of the BRIP1 protein. Computational prediction suggests that this variant may not impact protein structure and function. To our knowledge, functional studies have not been reported for this variant. This variant has not been reported in individuals affected with hereditary cancer in the literature. This variant has not been identified in the general population by the Genome Aggregation Database (gnomAD). The available evidence is insufficient to determine the role of this variant in disease conclusively. Therefore, this variant is classified as a Variant of Uncertain Significance.

Labcorp Genetics (formerly Invitae), Labcorp
Classification: Uncertain significance for Familial cancer of breast; Fanconi anemia complementation group J. Last evaluated: 2024-04-10. Review status: criteria provided, single submitter. Criteria: Invitae Variant Classification Sherloc (09022015). Collection method: clinical testing. Allele origin: germline.
Comment: This sequence change replaces cysteine, which is neutral and slightly polar, with serine, which is neutral and polar, at codon 125 of the BRIP1 protein (p.Cys125Ser). This variant is not present in population databases (gnomAD no frequency). This variant has not been reported in the literature in individuals affected with BRIP1-related conditions. ClinVar contains an entry for this variant (Variation ID: 232839). Advanced modeling of protein sequence and biophysical properties (such as structural, functional, and spatial information, amino acid conservation, physicochemical variation, residue mobility, and thermodynamic stability) performed at Invitae indicates that this missense variant is not expected to disrupt BRIP1 protein function with a negative predictive value of 80%. In summary, the available evidence is currently insufficient to determine the role of this variant in disease. Therefore, it has been classified as a Variant of Uncertain Significance.

Ambry Genetics
Classification: Uncertain significance for Hereditary cancer-predisposing syndrome. Last evaluated: 2015-07-15. Review status: criteria provided, single submitter. Criteria: Ambry Variant Classification Scheme 2023. Collection method: clinical testing. Allele origin: germline.
Comment: The p.C125S variant (also known as c.374G>C), located in coding exon 3 of the BRIP1 gene, results from a G to C substitution at nucleotide position 374. The cysteine at codon 125 is replaced by serine, an amino acid with dissimilar properties. This variant was not reported in population based cohorts in the following databases: Database of Single Nucleotide Polymorphisms (dbSNP), NHLBI Exome Sequencing Project (ESP), and 1000 Genomes Project. In the ESP, this variant was not observed in 6503 samples (13006 alleles) with coverage at this position. To date, this alteration has been detected with an allele frequency of approximately 0.002% (greater than 65,000 alleles tested) in our clinical cohort. This amino acid position is not well conserved in available vertebrate species. In addition, this alteration is predicted to be tolerated by in silico analysis. Since supporting evidence is limited at this time, the clinical significance of p.C125S remains unclear.

NM_032043.3(BRIP1):c.374G>C (p.Cys125Ser)

Gene: BRIP1 (BRCA1 interacting DNA helicase 1; minus strand). Cytogenetic location: 17q23.2.
Variant type: single nucleotide variant.
Coding change: c.374G>C on transcript NM_032043.3 (MANE Select); coding-DNA position 374, G replaced by C.
Protein change: p.Cys125Ser; replaces cysteine 125 with serine.
Molecular consequence: missense variant.
Genome position (GRCh38, 1-based): chr17:61,857,063, C>G on the plus strand (G>C on the coding strand, the complement: BRIP1 is on the minus strand). VCF-style: chr17-61857063-C-G. GRCh37 (hg19) VCF-style: chr17-59934424-C-G.
Other names: short protein forms C125S.
Identifiers: ClinVar variation 232839 (VCV000232839.18), dbSNP rs876660020, ClinGen allele CA10580882.
Genomic context (GRCh38, chr17:61,857,063, plus strand): 5'-AATAATTAAGACTCTTATTACAGATATCAACTGACCCAGGCAAAATATAAATTACCTTGA[C>G]AAGTTGATGAAGTGCCATTTCTTTCAGAAGGTGGTGTGCTTGGATAGTTGAAATGACGTG-3'
Protein context (NP_114432.2, residues 115-135): PSERNGTSST[Cys125Ser]QDSPEKTTLA